The following is an entry in ClinVar:

NM_000217.3(KCNA1):c.1166G>A (p.Gly389Asp)

Gene: KCNA1 (potassium voltage-gated channel subfamily A member 1; plus strand). Cytogenetic location: 12p13.32.
Variant type: single nucleotide variant.
Coding change: c.1166G>A on transcript NM_000217.3 (MANE Select); coding-DNA position 1166, G replaced by A.
Protein change: p.Gly389Asp; replaces glycine 389 with aspartic acid.
Molecular consequence: missense variant.
Genome position (GRCh38, 1-based): chr12:4,912,544, G>A. VCF-style: chr12-4912544-G-A. GRCh37 (hg19) VCF-style: chr12-5021710-G-A.
Other names: short protein forms G389D.
Identifiers: ClinVar variation 2733302 (VCV002733302.3), dbSNP rs2497353893, ClinGen allele CA383456189.
Genomic context (GRCh38, chr12:4,912,544, plus strand): 5'-CCATGACCACTGTAGGATACGGTGACATGTACCCTGTGACAATTGGAGGCAAGATCGTGG[G>A]CTCCTTGTGTGCCATCGCTGGTGTGCTAACAATTGCCCTGCCCGTACCTGTCATTGTGTC-3'
Protein context (NP_000208.2, residues 379-399): YPVTIGGKIV[Gly389Asp]SLCAIAGVLT

ClinVar aggregate classification (germline): Uncertain significance (1 of 4 stars; one submission).

Conditions:
Episodic ataxia type 1 (EA1). Also called: ATAXIA, EPISODIC, WITH MYOKYMIA; MYOKYMIA WITH PERIODIC ATAXIA; PAROXYSMAL ATAXIA WITH NEUROMYOTONIA, HEREDITARY; Episodic ataxia/myokymia syndrome. Identifiers: Orphanet 37612, Orphanet 972, MedGen C1719788, MONDO:0008047, OMIM 160120.

Submission:

Labcorp Genetics (formerly Invitae), Labcorp
Classification: Uncertain significance for Episodic ataxia type 1. Last evaluated: 2024-06-24. Review status: criteria provided, single submitter. Criteria: Invitae Variant Classification Sherloc (09022015). Collection method: clinical testing. Allele origin: germline.
Comment: This sequence change replaces glycine, which is neutral and non-polar, with aspartic acid, which is acidic and polar, at codon 389 of the KCNA1 protein (p.Gly389Asp). This variant is not present in population databases (gnomAD no frequency). This variant has not been reported in the literature in individuals affected with KCNA1-related conditions. Advanced modeling of protein sequence and biophysical properties (such as structural, functional, and spatial information, amino acid conservation, physicochemical variation, residue mobility, and thermodynamic stability) performed at Invitae indicates that this missense variant is expected to disrupt KCNA1 protein function with a positive predictive value of 80%. In summary, the available evidence is currently insufficient to determine the role of this variant in disease. Therefore, it has been classified as a Variant of Uncertain Significance.